The following is an entry in ClinVar:

NM_152419.3(HGSNAT):c.*817C>T

Gene: HGSNAT (heparan-alpha-glucosaminide N-acetyltransferase; plus strand). Cytogenetic location: 8p11.1.
Variant type: single nucleotide variant.
Coding change: c.*817C>T on transcript NM_152419.3 (MANE Select); 817 bases downstream of the stop codon, C replaced by T.
Molecular consequence: 3 prime UTR variant.
Genome position (GRCh38, 1-based): chr8:43,200,386, C>T. VCF-style: chr8-43200386-C-T. GRCh37 (hg19) VCF-style: chr8-43055529-C-T.
Other names: c.*817C>T (NM_001363227.2, NM_001363228.2, NM_001363229.2).
Identifiers: ClinVar variation 909623 (VCV000909623.5), dbSNP rs78952714, ClinGen allele CA176077359.

ClinVar aggregate classification (germline): Likely benign. Review status: criteria provided, multiple submitters, no conflicts (2 of 4 stars). 2 submissions from 2 submitters: Likely benign (2). Last evaluated 2018-01-13.

Conditions:
Mucopolysaccharidosis, MPS-III-C (MPS3C). Also called: mucopolysaccharidosis type 3C; MUCOPOLYSACCHARIDOSIS, TYPE IIIC; SANFILIPPO SYNDROME C; MPS III C; Mucopolysaccharidosis type IIIC (Sanfilippo C); MPS IIIC (Sanfilippo Syndrome Type C). Identifiers: Orphanet 581, Orphanet 79271, MedGen C0086649, MONDO:0009657, OMIM 252930.

Allele frequency attached by ClinVar (database versions not stated): TOPMed 0.01024; gnomAD 0.01322 and 0.01352; 1000 Genomes Project 0.00719; 1000 Genomes Project 30x 0.00734.

Submissions (2):

Illumina Laboratory Services, Illumina
Classification: Likely benign for Mucopolysaccharidosis, MPS-III-C. Last evaluated: 2018-01-13. Review status: criteria provided, single submitter. Criteria: ICSL Variant Classification Criteria 13 December 2019. Collection method: clinical testing. Allele origin: germline.
Comment: This variant was observed in the ICSL laboratory as part of a predisposition screen in an ostensibly healthy population. It had not been previously curated by ICSL or reported in the Human Gene Mutation Database (HGMD: prior to June 1st, 2018), and was therefore a candidate for classification through an automated scoring system. Utilizing variant allele frequency, disease prevalence and penetrance estimates, and inheritance mode, an automated score was calculated to assess if this variant is too frequent to cause the disease. Based on the score and internal cut-off values, a variant classified as likely benign is not then subjected to further curation. The score for this variant resulted in a classification of likely benign for this disease.

Breakthrough Genomics
Classification: Likely benign. Review status: criteria provided, single submitter. Criteria: ACMG Guidelines, 2015. Collection method: not provided. Allele origin: germline. Inheritance: Autosomal recessive inheritance. Affected: yes.